The following is an entry in ClinVar:

ClinVar aggregate classification (germline): Benign/Likely benign. Review status: criteria provided, multiple submitters, no conflicts (2 of 4 stars). 2 submissions from 2 submitters: Benign (1); Likely benign (1). Last evaluated 2024-07-10.

Conditions:
Oligodontia-cancer predisposition syndrome. Also called: TOOTH AGENESIS-COLORECTAL CANCER SYNDROME. Identifiers: Orphanet 300576, MedGen C1837750, MONDO:0012075, OMIM 608615. Disease mechanism: loss of function.

Submissions (2):

Myriad Genetics, Inc.
Classification: Benign for Oligodontia-cancer predisposition syndrome. Last evaluated: 2024-07-10. Review status: criteria provided, single submitter. Criteria: Myriad Autosomal Dominant, Autosomal Recessive and X-Linked Classification Criteria (2023). Collection method: clinical testing. Allele origin: unknown.
Comment: This variant is considered benign. This variant is a silent/synonymous amino acid change and it is not expected to impact splicing.

Labcorp Genetics (formerly Invitae), Labcorp
Classification: Likely benign for Oligodontia-cancer predisposition syndrome. Last evaluated: 2023-09-29. Review status: criteria provided, single submitter. Criteria: Invitae Variant Classification Sherloc (09022015). Collection method: clinical testing. Allele origin: germline.

NM_004655.4(AXIN2):c.2187T>C (p.Thr729=)

Gene: AXIN2 (axin 2; minus strand). Cytogenetic location: 17q24.1.
Variant type: single nucleotide variant.
Coding change: c.2187T>C on transcript NM_004655.4 (MANE Select); coding-DNA position 2187, T replaced by C.
Protein change: p.Thr729=; no amino-acid change (threonine 729 retained).
Molecular consequence: synonymous variant.
Genome position (GRCh38, 1-based): chr17:65,535,676, A>G on the plus strand (T>C on the coding strand, the complement: AXIN2 is on the minus strand). VCF-style: chr17-65535676-A-G. GRCh37 (hg19) VCF-style: chr17-63531794-A-G.
Other names: c.1992T>C, p.Thr664= (NM_001363813.1).
Identifiers: ClinVar variation 2764199 (VCV002764199.4), dbSNP rs760974572, ClinGen allele CA501476099.